The following is an entry in ClinVar:

ClinVar aggregate classification (germline): Pathogenic (1 of 4 stars; one submission).

Submission:

Labcorp Genetics (formerly Invitae), Labcorp
Classification: Pathogenic. Last evaluated: 2021-12-21. Review status: criteria provided, single submitter. Criteria: Invitae Variant Classification Sherloc (09022015). Collection method: clinical testing. Allele origin: germline.
Comment: For these reasons, this variant has been classified as Pathogenic. This variant has not been reported in the literature in individuals affected with COL4A3-related conditions. This variant is not present in population databases (gnomAD no frequency). This sequence change creates a premature translational stop signal (p.Ser126Valfs*27) in the COL4A3 gene. It is expected to result in an absent or disrupted protein product. Loss-of-function variants in COL4A3 are known to be pathogenic (PMID: 8956999, 24854265, 26809805, 27281700).

Literature cited by the submitters: PubMed 8956999; PubMed 24854265; PubMed 26809805; PubMed 27281700.

NM_000091.5(COL4A3):c.376del (p.Ser126fs)

Genes: COL4A3 (collagen type IV alpha 3 chain; plus strand), MFF-DT (MFF divergent transcript; minus strand). Cytogenetic location: 2q36.3.
Variant type: Deletion.
Coding change: c.376del on transcript NM_000091.5 (MANE Select); coding-DNA position 376, one base deleted (A; older notation c.376delA).
Protein change: p.Ser126fs; shifts the reading frame from serine 126.
Molecular consequence: frameshift variant.
Genome position (GRCh38, 1-based): chr2:227,246,005, A deleted. VCF-style (leftmost placement, unchanged base first): chr2-227246004-CA-C. GRCh37 (hg19) VCF-style: chr2-228110720-CA-C.
Other names: short protein forms S126fs.
Identifiers: ClinVar variation 1453859 (VCV001453859.6), dbSNP rs2125910105, ClinGen allele CA2573135447.